The following is an entry in ClinVar:

ClinVar aggregate classification (germline): Benign (1 of 4 stars; one submission).

Allele frequency attached by ClinVar (database versions not stated): 1000 Genomes Project 0.11362; 1000 Genomes Project 30x 0.11555; gnomAD 0.12521 and 0.12675; TOPMed 0.12566.
gnomAD v4.1: 69,505 of 502,644 alleles (14%); highest among the groups gnomAD compares: South Asian, 19%; 5,214 homozygotes.

Submission:

GeneDx
Classification: Benign. Last evaluated: 2018-06-16. Review status: criteria provided, single submitter. Criteria: GeneDx Variant Classification (06012015). Collection method: clinical testing. Allele origin: germline. Affected: yes.
Comment: This variant is considered likely benign or benign based on one or more of the following criteria: it is a conservative change, it occurs at a poorly conserved position in the protein, it is predicted to be benign by multiple in silico algorithms, and/or has population frequency not consistent with disease.

NM_182961.4(SYNE1):c.16711-263C>T

Gene: SYNE1 (spectrin repeat containing nuclear envelope protein 1; minus strand). Cytogenetic location: 6q25.2.
Variant type: single nucleotide variant.
Coding change: c.16711-263C>T on transcript NM_182961.4 (MANE Select); 263 bases into the intron before coding-DNA position 16711, C replaced by T.
Molecular consequence: intron variant.
Genome position (GRCh38, 1-based): chr6:152,311,136, G>A on the plus strand (C>T on the coding strand, the complement: SYNE1 is on the minus strand). VCF-style: chr6-152311136-G-A. GRCh37 (hg19) VCF-style: chr6-152632271-G-A.
Other names: c.16498-263C>T (NM_033071.5).
Identifiers: ClinVar variation 684046 (VCV000684046.1), dbSNP rs12206761, ClinGen allele CA12379710.